The following is an entry in ClinVar:

NM_001128159.3(VPS53):c.488+12C>T

Gene: VPS53 (VPS53 subunit of GARP complex; minus strand). Cytogenetic location: 17p13.3.
Variant type: single nucleotide variant.
Coding change: c.488+12C>T on transcript NM_001128159.3 (MANE Select); 12 bases into the intron after coding-DNA position 488, C replaced by T.
Molecular consequence: intron variant.
Genome position (GRCh38, 1-based): chr17:655,826, G>A on the plus strand (C>T on the coding strand, the complement: VPS53 is on the minus strand). VCF-style: chr17-655826-G-A. GRCh37 (hg19) VCF-style: chr17-559066-G-A.
Other names: c.401+12C>T (NM_018289.4); c.488+12C>T (NM_001366253.2); c.-205+12C>T (NM_001366254.2).
Identifiers: ClinVar variation 389528 (VCV000389528.1), dbSNP rs1057523458, ClinGen allele CA16608614.
Genomic context (GRCh38, chr17:655,826, plus strand): 5'-TAGGCGACAACACCATTTTCTCTATGCGATACATTTCCCGTGGCCCCAAAAGAGAAAGTT[G>A]GCATTGCTTACTCGAGGGAGTCGACACCTCCTGCCAGCATGTGCAGGTGGTTCAGTGTGG-3'

ClinVar aggregate classification (germline): Likely benign (1 of 4 stars; one submission).

gnomAD v4.1: 1 of 1,605,588 alleles (0.000062%); no homozygotes.

Submission:

GeneDx
Classification: Likely benign. Last evaluated: 2016-09-29. Review status: criteria provided, single submitter. Criteria: GeneDx Variant Classification (06012015). Collection method: clinical testing. Allele origin: germline. Affected: yes.
Comment: This variant is considered likely benign or benign based on one or more of the following criteria: it is a conservative change, it occurs at a poorly conserved position in the protein, it is predicted to be benign by multiple in silico algorithms, and/or has population frequency not consistent with disease.